The following is an entry in ClinVar:

ClinVar aggregate classification (germline): Benign (0 of 4 stars; one submission).

Conditions:
SHROOM3-related disorder. Also called: SHROOM3-related condition.

Allele frequency attached by ClinVar (database versions not stated): ExAC 0.00727; 1000 Genomes Project 30x 0.00859; 1000 Genomes Project 0.00919.
gnomAD v4.1: 4,812 of 1,614,090 alleles (0.3%); highest among the groups gnomAD compares: South Asian, 5%; 160 homozygotes.

Submission:

PreventionGenetics, part of Exact Sciences
Classification: Benign for SHROOM3-related condition. Last evaluated: 2019-05-22. Review status: no assertion criteria provided. Collection method: clinical testing. Allele origin: germline.
Comment: This variant is classified as benign based on ACMG/AMP sequence variant interpretation guidelines (Richards et al. 2015 PMID: 25741868, with internal and published modifications).

NM_020859.4(SHROOM3):c.556G>C (p.Gly186Arg)

Genes: SHROOM3 (shroom family member 3; plus strand), SHROOM3-AS1 (SHROOM3 antisense RNA 1; minus strand). Cytogenetic location: 4q21.1.
Variant type: single nucleotide variant.
Coding change: c.556G>C on transcript NM_020859.4 (MANE Select); coding-DNA position 556, G replaced by C.
Protein change: p.Gly186Arg; replaces glycine 186 with arginine.
Molecular consequence: missense variant.
Genome position (GRCh38, 1-based): chr4:76,730,904, G>C. VCF-style: chr4-76730904-G-C. GRCh37 (hg19) VCF-style: chr4-77652057-G-C.
Other names: short protein forms G186R.
Identifiers: ClinVar variation 3038663 (VCV003038663.2), dbSNP rs145112769, ClinGen allele CA2972160.